The following is an entry in ClinVar:

ClinVar aggregate classification (germline): Likely benign (1 of 4 stars; one submission).

Allele frequency attached by ClinVar (database versions not stated): 1000 Genomes Project 0.00060; 1000 Genomes Project 30x 0.00062; ExAC 0.00120; gnomAD 0.00219; gnomAD exomes 0.00341.
gnomAD v4.1: 4,910 of 1,506,810 alleles (0.33%); highest among the groups gnomAD compares: Non-Finnish European, 0.4%; 518 homozygotes.

Submission:

CeGaT Center for Human Genetics Tuebingen
Classification: Likely benign. Last evaluated: 2022-12-01. Review status: criteria provided, single submitter. Criteria: CeGaT Center For Human Genetics Tuebingen Variant Classification Criteria Version 2. Collection method: clinical testing. Allele origin: germline. Affected: yes. Observed: 1 variant allele.
Comment: MUC22: BP4, BS2

NM_001395414.1(MUC22):c.1157C>A (p.Thr386Asn)

Gene: MUC22 (mucin 22; plus strand). Cytogenetic location: 6p21.33.
Variant type: single nucleotide variant.
Coding change: c.1157C>A on transcript NM_001395414.1 (MANE Select); coding-DNA position 1157, C replaced by A.
Protein change: p.Thr386Asn; replaces threonine 386 with asparagine.
Molecular consequence: missense variant.
Genome position (GRCh38, 1-based): chr6:31,026,588, C>A. VCF-style: chr6-31026588-C-A. GRCh37 (hg19) VCF-style: chr6-30994365-C-A.
Other names: c.1157C>A, p.Thr386Asn (NM_001198815.1); c.1166C>A, p.Thr389Asn (NM_001318484.1, NM_001322469.1); short protein forms T386N, T389N.
Identifiers: ClinVar variation 2656382 (VCV002656382.24), dbSNP rs201856601, ClinGen allele CA3707741.